The following is an entry in ClinVar:

ClinVar aggregate classification (germline): Pathogenic (1 of 4 stars; one submission).

Conditions:
Developmental and epileptic encephalopathy, 54. Also called: Epileptic encephalopathy, early infantile, 54; HNRNPU-Related Neurodevelopmental Disorder. Identifiers: MedGen C4479319, MONDO:0033363, OMIM 617391.

Submission:

3billion
Classification: Pathogenic for Developmental and epileptic encephalopathy, 54. Last evaluated: 2024-08-29. Review status: criteria provided, single submitter. Criteria: ACMG Guidelines, 2015. Collection method: clinical testing. Allele origin: germline. Affected: yes.
Comment: The variant is not observed in the gnomAD v4.0.0 dataset. Predicted Consequence/Location: Stop-gained (nonsense): predicted to result in a loss or disruption of normal protein function through nonsense-mediated decay (NMD) or protein truncation. Multiple pathogenic variants are reported downstream of the variant. The variant has been previously reported as de novo in a similarly affected individual (PMID: 32319732). The variant has been reported to be associated with HNRNPU-related disorder (PMID: 32319732). Therefore, this variant is classified as Pathogenic according to the recommendation of ACMG/AMP guideline.

Literature cited by the submitters: PubMed 32319732.

NM_031844.3(HNRNPU):c.619C>T (p.Gln207Ter)

Gene: HNRNPU (heterogeneous nuclear ribonucleoprotein U; minus strand). Cytogenetic location: 1q44.
Variant type: single nucleotide variant.
Coding change: c.619C>T on transcript NM_031844.3 (MANE Select); coding-DNA position 619, C replaced by T.
Protein change: p.Gln207Ter; replaces glutamine 207 with a stop codon.
Molecular consequence: nonsense.
Genome position (GRCh38, 1-based): chr1:244,863,689, G>A on the plus strand (C>T on the coding strand, the complement: HNRNPU is on the minus strand). VCF-style: chr1-244863689-G-A. GRCh37 (hg19) VCF-style: chr1-245026991-G-A.
Other names: c.619C>T, p.Gln207Ter (NM_004501.3); short protein forms Q207*.
Identifiers: ClinVar variation 4292896 (VCV004292896.1).